The following is an entry in ClinVar:

ClinVar aggregate classification (germline): Conflicting classifications of pathogenicity. Review status: criteria provided, conflicting classifications (1 of 4 stars). 3 submissions from 3 submitters: Uncertain significance (2); Benign (1). Last evaluated 2023-02-01.

Conditions:
Dilated cardiomyopathy 1DD (CMD1DD). Identifiers: Orphanet 154, MedGen C2750995, MONDO:0013168, OMIM 613172.

Allele frequency attached by ClinVar (database versions not stated): 1000 Genomes Project 30x 0.00187; 1000 Genomes Project 0.00200; TOPMed 0.00304; gnomAD 0.00308 and 0.00310.

Submissions (3):

CeGaT Center for Human Genetics Tuebingen
Classification: Benign. Last evaluated: 2023-02-01. Review status: criteria provided, single submitter. Criteria: CeGaT Center For Human Genetics Tuebingen Variant Classification Criteria Version 2. Collection method: clinical testing. Allele origin: germline. Affected: yes. Observed: 3 variant alleles.
Comment: RBM20: BS1, BS2

Illumina Laboratory Services, Illumina
Classification: Uncertain significance for Dilated cardiomyopathy 1DD. Last evaluated: 2018-01-12. Review status: criteria provided, single submitter. Criteria: ICSL Variant Classification Criteria 13 December 2019. Collection method: clinical testing. Allele origin: germline.

Breakthrough Genomics
Classification: Uncertain significance. Review status: criteria provided, single submitter. Criteria: ACMG Guidelines, 2015. Collection method: not provided. Allele origin: germline. Inheritance: Autosomal dominant inheritance. Affected: yes.

NM_001134363.3(RBM20):c.*3289C>T

Gene: RBM20 (RNA binding motif protein 20; plus strand). Cytogenetic location: 10q25.2.
Variant type: single nucleotide variant.
Coding change: c.*3289C>T on transcript NM_001134363.3 (MANE Select); 3289 bases downstream of the stop codon, C replaced by T.
Molecular consequence: 3 prime UTR variant.
Genome position (GRCh38, 1-based): chr10:110,839,267, C>T. VCF-style: chr10-110839267-C-T. GRCh37 (hg19) VCF-style: chr10-112599025-C-T.
Other names: c.*3289C>T (LRG_382t1).
Identifiers: ClinVar variation 298857 (VCV000298857.36), dbSNP rs144896119, ClinGen allele CA10634961.